The following is an entry in ClinVar:

NM_017763.6(RNF43):c.819C>T (p.Ala273=)

Gene: RNF43 (ring finger protein 43; minus strand). Cytogenetic location: 17q22.
Variant type: single nucleotide variant.
Coding change: c.819C>T on transcript NM_017763.6 (MANE Select); coding-DNA position 819, C replaced by T.
Protein change: p.Ala273=; no amino-acid change (alanine 273 retained).
Molecular consequence: synonymous variant.
Genome position (GRCh38, 1-based): chr17:58,360,813, G>A on the plus strand (C>T on the coding strand, the complement: RNF43 is on the minus strand). VCF-style: chr17-58360813-G-A. GRCh37 (hg19) VCF-style: chr17-56438174-G-A.
Other names: c.819C>T, p.Ala273= (NM_001438821.1, NM_001438822.1, NM_001305544.3 and 1 more transcripts); c.438C>T, p.Ala146= (NM_001305545.2, NM_001437987.1).
Identifiers: ClinVar variation 4155726 (VCV004155726.1).

ClinVar aggregate classification (germline): Uncertain significance (1 of 4 stars; one submission).

Submission:

Ambry Genetics
Classification: Uncertain significance. Last evaluated: 2025-07-03. Review status: criteria provided, single submitter. Criteria: Ambry Variant Classification Scheme 2023. Collection method: clinical testing. Allele origin: germline.
Comment: The c.819C>T variant (also known as p.A273A), located in coding exon 6 of the RNF43 gene, results from a C to T substitution at nucleotide position 819. This nucleotide substitution does not change the alanine at codon 273. This nucleotide position is not well conserved in available vertebrate species. In silico splice site analysis predicts that this alteration may result in the creation or strengthening of a novel splice donor site. The evidence for this gene-disease relationship is limited; therefore, the clinical significance of this alteration is unclear.